The following is an entry in ClinVar:

ClinVar aggregate classification (germline): Uncertain significance (1 of 4 stars; one submission).

Conditions:
Inborn genetic diseases. Identifiers: MedGen C0950123, MeSH D030342.

Submission:

Ambry Genetics
Classification: Uncertain significance for Inborn genetic diseases. Last evaluated: 2025-03-26. Review status: criteria provided, single submitter. Criteria: Ambry Variant Classification Scheme 2023. Collection method: clinical testing. Allele origin: germline.
Comment: The p.P952S variant (also known as c.2854C>T), located in coding exon 13 of the ASXL1 gene, results from a C to T substitution at nucleotide position 2854. The proline at codon 952 is replaced by serine, an amino acid with similar properties. This amino acid position is conserved. In addition, this alteration is predicted to be tolerated by in silico analysis. Based on the available evidence, the clinical significance of this variant remains unclear.

NM_015338.6(ASXL1):c.2854C>T (p.Pro952Ser)

Gene: ASXL1 (ASXL transcriptional regulator 1; plus strand). Cytogenetic location: 20q11.21.
Variant type: single nucleotide variant.
Coding change: c.2854C>T on transcript NM_015338.6 (MANE Select); coding-DNA position 2854, C replaced by T.
Protein change: p.Pro952Ser; replaces proline 952 with serine.
Molecular consequence: missense variant.
Genome position (GRCh38, 1-based): chr20:32,435,566, C>T. VCF-style: chr20-32435566-C-T. GRCh37 (hg19) VCF-style: chr20-31023369-C-T.
Other names: c.2671C>T, p.Pro891Ser (NM_001363734.1); short protein forms P952S, P891S.
Identifiers: ClinVar variation 3955253 (VCV003955253.1).
Genomic context (GRCh38, chr20:32,435,566, plus strand): 5'-AAAGCTGCTCCCACCCCTCCTGCATTGCCTGGGGATTTGACAGCTGAGGAGGGTCTAGAT[C>T]CTCTTGACAGCCTTACTTCACTCTGGACTGTGCCATCTCGAGGAGGCAGTGACAGCAATG-3'
Protein context (NP_056153.2, residues 942-962): GDLTAEEGLD[Pro952Ser]LDSLTSLWTV